The following is an entry in ClinVar:

ClinVar aggregate classification (germline): Likely benign. Review status: criteria provided, multiple submitters, no conflicts (2 of 4 stars). 3 submissions from 3 submitters: Likely benign (2). 1 of the submissions does not count toward it. Last evaluated 2024-12-09.

Conditions:
RFX5-related disorder. Also called: RFX5-related condition.
MHC class II deficiency. Also called: Bare lymphocyte syndrome 2; BLS, TYPE II. Identifiers: Orphanet 572, MedGen C5447452, MONDO:0008855.

Allele frequency attached by ClinVar (database versions not stated): ExAC 0.00002; gnomAD exomes 0.00004; TOPMed 0.00004; gnomAD 0.00005.
gnomAD v4.1: 56 of 1,613,944 alleles (0.0035%); highest among the groups gnomAD compares: Non-Finnish European, 0.0044%; no homozygotes.

Submissions (3):

Labcorp Genetics (formerly Invitae), Labcorp
Classification: Likely benign for MHC class II deficiency. Last evaluated: 2024-12-09. Review status: criteria provided, single submitter. Criteria: Invitae Variant Classification Sherloc (09022015). Collection method: clinical testing. Allele origin: germline.

Blueprint Genetics
Classification: Likely benign. Last evaluated: 2024-10-29. Review status: criteria provided, single submitter. Criteria: ACMG Guidelines, 2015. Collection method: clinical testing. Allele origin: germline.

PreventionGenetics, part of Exact Sciences
Classification: Likely benign for RFX5-related condition. Last evaluated: 2019-09-13. Review status: no assertion criteria provided. Collection method: clinical testing. Allele origin: germline. Not counted in ClinVar's aggregate classification.
Comment: This variant is classified as likely benign based on ACMG/AMP sequence variant interpretation guidelines (Richards et al. 2015 PMID: 25741868, with internal and published modifications).

NM_001025603.2(RFX5):c.678C>T (p.Val226=)

Gene: RFX5 (regulatory factor X5; minus strand). Cytogenetic location: 1q21.3.
Variant type: single nucleotide variant.
Coding change: c.678C>T on transcript NM_001025603.2 (MANE Select); coding-DNA position 678, C replaced by T.
Protein change: p.Val226=; no amino-acid change (valine 226 retained).
Molecular consequence: synonymous variant.
Genome position (GRCh38, 1-based): chr1:151,343,760, G>A on the plus strand (C>T on the coding strand, the complement: RFX5 is on the minus strand). VCF-style: chr1-151343760-G-A. GRCh37 (hg19) VCF-style: chr1-151316236-G-A.
Other names: c.678C>T, p.Val226= (NM_000449.4, NM_001379412.1, NM_001379413.1 and 5 more transcripts); c.558C>T, p.Val186= (NM_001379419.1, NM_001379420.1).
Identifiers: ClinVar variation 755881 (VCV000755881.13), dbSNP rs559709373, ClinGen allele CA1089778.
Genomic context (GRCh38, chr1:151,343,760, plus strand): 5'-AAGCACATGGGCATGTGCAGATCGGGCAGAGATGAGATGCTGCTGTAGCAGGAAGCGGGC[G>A]ACCTCAACGATGGAACTGAAGGACCGTTTCAGGATCCGCTCTGCCCAGTCACAGGTCAGG-3'
Protein context (NP_001020774.1, residues 216-236): LKRSFSSIVE[Val226=]ARFLLQQHLI